The following is an entry in ClinVar:

NM_022455.5(NSD1):c.6501C>A (p.Cys2167Ter)

Gene: NSD1 (nuclear receptor binding SET domain protein 1; plus strand). Cytogenetic location: 5q35.3.
Variant type: single nucleotide variant.
Coding change: c.6501C>A on transcript NM_022455.5 (MANE Select); coding-DNA position 6501, C replaced by A.
Protein change: p.Cys2167Ter; replaces cysteine 2167 with a stop codon.
Molecular consequence: nonsense.
Genome position (GRCh38, 1-based): chr5:177,293,869, C>A. VCF-style: chr5-177293869-C-A. GRCh37 (hg19) VCF-style: chr5-176720870-C-A.
Other names: c.5628C>A, p.Cys1876Ter (NM_001365684.2, NM_001409308.1, NM_172349.5); c.6501C>A, p.Cys2167Ter (NM_001409301.1, NM_001409302.1, NM_001409303.1); c.6081C>A, p.Cys2027Ter (NM_001409304.1); c.5748C>A, p.Cys1916Ter (NM_001409305.1); c.5739C>A, p.Cys1913Ter (NM_001409306.1, NM_001409307.1); c.5379C>A, p.Cys1793Ter (NM_001409309.1); short protein forms C1793*, C1876*, C1913*, C1916*, C2027*, C2167*.
Identifiers: ClinVar variation 3042021 (VCV003042021.2), dbSNP rs545207228, ClinGen allele CA362323496.

ClinVar aggregate classification (germline): Pathogenic (0 of 4 stars; one submission).

Conditions:
NSD1-related disorder. Also called: NSD1-related condition.

Submission:

PreventionGenetics, part of Exact Sciences
Classification: Pathogenic for NSD1-related condition. Last evaluated: 2024-05-08. Review status: no assertion criteria provided. Collection method: clinical testing. Allele origin: germline.
Comment: The NSD1 c.6501C>A variant is predicted to result in premature protein termination (p.Cys2167*). To our knowledge, this variant has not been reported in the literature or in a large population database, indicating this variant is rare. Nonsense variants in NSD1 are expected to be pathogenic. This variant is interpreted as pathogenic.